The following is an entry in ClinVar:

ClinVar aggregate classification (germline): Pathogenic. Review status: reviewed by expert panel (3 of 4 stars). 2 submissions from 2 submitters: Pathogenic (1). 1 of the submissions does not count toward it. Last evaluated 2017-12-15.

Conditions:
Breast-ovarian cancer, familial, susceptibility to, 2 (BROVCA2). Also called: BRCA2 Hereditary Breast and Ovarian Cancer. Identifiers: Orphanet 145, MedGen C2675520, MONDO:0012933, OMIM 612555. Disease mechanism: loss of function.
Familial cancer of breast. Also called: BREAST CANCER, FAMILIAL; Hereditary breast cancer; hereditary breast carcinoma. Identifiers: Orphanet 227535, MedGen C0346153, MONDO:0016419, OMIM 114480. Disease mechanism: loss of function.

Submissions (2):

Evidence-based Network for the Interpretation of Germline Mutant Alleles (ENIGMA)
Classification: Pathogenic for Breast-ovarian cancer, familial, susceptibility to, 2. Last evaluated: 2017-12-15. Review status: reviewed by expert panel. Criteria: ENIGMA BRCA1/2 Classification Criteria (2017-06-29). Collection method: curation. Allele origin: germline. Study: ENIGMA.
Comment: Variant allele predicted to encode a truncated non-functional protein.

ClinVar Staff, National Center for Biotechnology Information (NCBI)
No classification provided. Condition: Familial cancer of breast. Review status: no classification provided. Collection method: literature only. Allele origin: germline. Affected: yes. Not counted in ClinVar's aggregate classification.

Literature cited by the submitters: PubMed 16683254 (cited by ClinVar Staff, National Center for Biotechnology Information (NCBI)).

NM_000059.4(BRCA2):c.4536_4539dup (p.Glu1514Ter)

Gene: BRCA2 (BRCA2 DNA repair associated; plus strand). Cytogenetic location: 13q13.1.
Variant type: Duplication.
Coding change: c.4536_4539dup on transcript NM_000059.4 (MANE Select); coding-DNA positions 4536 to 4539, 4 bases duplicated (TGAT; older notation c.4536_4539dupTGAT).
Protein change: p.Glu1514Ter; replaces glutamic acid 1514 with a stop codon.
Molecular consequence: nonsense.
Genome position (GRCh38, 1-based): chr13:32,338,891-32,338,894, TGAT duplicated. VCF-style (leftmost placement, unchanged base first): chr13-32338890-G-GTGAT. GRCh37 (hg19) VCF-style: chr13-32913027-G-GTGAT.
Other names: c.4536_4539dupTGAT (NM_000059.3); short protein forms E1514*.
Identifiers: ClinVar variation 51663 (VCV000051663.3), dbSNP rs397507724, ClinGen allele CA020370.
Genomic context (GRCh38, chr13:32,338,890, plus strand): 5'-AAGAAAGTGTCCCAGTTGGTACTGGAAATCAACTAGTGACCTTCCAGGGACAACCCGAAC[G>GTGAT]TGATGAAAAGATCAAAGAACCTACTCTATTGGGTTTTCATACAGCTAGCGGGAAAAAAGT-3'